The following is an entry in ClinVar:

NM_182931.3(KMT2E):c.1004A>T (p.His335Leu)

Gene: KMT2E (lysine methyltransferase 2E (inactive); plus strand). Cytogenetic location: 7q22.3.
Variant type: single nucleotide variant.
Coding change: c.1004A>T on transcript NM_182931.3 (MANE Select); coding-DNA position 1004, A replaced by T.
Protein change: p.His335Leu; replaces histidine 335 with leucine.
Molecular consequence: missense variant.
Genome position (GRCh38, 1-based): chr7:105,077,307, A>T. VCF-style: chr7-105077307-A-T. GRCh37 (hg19) VCF-style: chr7-104717754-A-T.
Other names: c.1004A>T, p.His335Leu (NM_001410908.1, NM_018682.4); short protein forms H335L.
Identifiers: ClinVar variation 3648263 (VCV003648263.2).

ClinVar aggregate classification (germline): Uncertain significance (1 of 4 stars; one submission).

gnomAD v4.1: 1 of 1,609,280 alleles (0.000062%); highest among the groups gnomAD compares: Non-Finnish European, 0.000085%; no homozygotes.

Submission:

Labcorp Genetics (formerly Invitae), Labcorp
Classification: Uncertain significance. Last evaluated: 2024-04-09. Review status: criteria provided, single submitter. Criteria: Invitae Variant Classification Sherloc (09022015). Collection method: clinical testing. Allele origin: germline.
Comment: This sequence change replaces histidine, which is basic and polar, with leucine, which is neutral and non-polar, at codon 335 of the KMT2E protein (p.His335Leu). This variant is not present in population databases (gnomAD no frequency). This variant has not been reported in the literature in individuals affected with KMT2E-related conditions. Advanced modeling of protein sequence and biophysical properties (such as structural, functional, and spatial information, amino acid conservation, physicochemical variation, residue mobility, and thermodynamic stability) performed at Invitae indicates that this missense variant is not expected to disrupt KMT2E protein function with a negative predictive value of 80%. In summary, the available evidence is currently insufficient to determine the role of this variant in disease. Therefore, it has been classified as a Variant of Uncertain Significance.